The following is an entry in ClinVar:

ClinVar aggregate classification (germline): Uncertain significance (1 of 4 stars; one submission).

Conditions:
RASopathy. Also called: rasopathies; Noonan spectrum disorder. Identifiers: Orphanet 536391, MedGen C5555857, MONDO:0021060.

Submission:

Labcorp Genetics (formerly Invitae), Labcorp
Classification: Uncertain significance for RASopathy. Last evaluated: 2024-03-26. Review status: criteria provided, single submitter. Criteria: Invitae Variant Classification Sherloc (09022015). Collection method: clinical testing. Allele origin: germline.
Comment: This sequence change affects codon 133 of the BRAF mRNA. It is a 'silent' change, meaning that it does not change the encoded amino acid sequence of the BRAF protein. This variant is not present in population databases (gnomAD no frequency). This variant has not been reported in the literature in individuals affected with BRAF-related conditions. Algorithms developed to predict the effect of sequence changes on RNA splicing suggest that this variant may create or strengthen a splice site. In summary, the available evidence is currently insufficient to determine the role of this variant in disease. Therefore, it has been classified as a Variant of Uncertain Significance.

NM_004333.6(BRAF):c.399A>T (p.Ser133=)

Gene: BRAF (B-Raf proto-oncogene, serine/threonine kinase; minus strand). Cytogenetic location: 7q34.
Variant type: single nucleotide variant.
Coding change: c.399A>T on transcript NM_004333.6 (MANE Select); coding-DNA position 399, A replaced by T.
Protein change: p.Ser133=; no amino-acid change (serine 133 retained).
Molecular consequence: synonymous variant. On other transcripts: intron variant (1).
Genome position (GRCh38, 1-based): chr7:140,834,714, T>A on the plus strand (A>T on the coding strand, the complement: BRAF is on the minus strand). VCF-style: chr7-140834714-T-A. GRCh37 (hg19) VCF-style: chr7-140534514-T-A.
Other names: c.399A>T, p.Ser133= (NM_001374258.1, NM_001378467.1, NM_001378468.1 and 5 more transcripts); c.297A>T, p.Ser99= (NM_001378470.1); c.243A>T, p.Ser81= (NM_001378472.1, NM_001378473.1); c.240+15397A>T (NM_001378475.1).
Identifiers: ClinVar variation 3696669 (VCV003696669.2).